The following is an entry in ClinVar:

NM_004593.3(TRA2B):c.602C>T (p.Thr201Met)

Gene: TRA2B (transformer 2 beta homolog; minus strand). Cytogenetic location: 3q27.2.
Variant type: single nucleotide variant.
Coding change: c.602C>T on transcript NM_004593.3 (MANE Select); coding-DNA position 602, C replaced by T.
Protein change: p.Thr201Met; replaces threonine 201 with methionine.
Molecular consequence: missense variant.
Genome position (GRCh38, 1-based): chr3:185,922,047, G>A on the plus strand (C>T on the coding strand, the complement: TRA2B is on the minus strand). VCF-style: chr3-185922047-G-A. GRCh37 (hg19) VCF-style: chr3-185639835-G-A.
Other names: c.302C>T, p.Thr101Met (NM_001243879.2); short protein forms T101M, T201M.
Identifiers: ClinVar variation 2412961 (VCV002412961.4), dbSNP rs2473742811, ClinGen allele CA355838500.

ClinVar aggregate classification (germline): Pathogenic (1 of 4 stars; one submission).

Submission:

GeneDx
Classification: Pathogenic. Last evaluated: 2025-11-26. Review status: criteria provided, single submitter. Criteria: GeneDx Variant Classification Process June 2021. Collection method: clinical testing. Allele origin: germline.
Comment: Not observed at significant frequency in large population cohorts (gnomAD); In silico analysis supports that this missense variant has a deleterious effect on protein structure/function; Has not been previously published as pathogenic or benign to our knowledge